The following is an entry in ClinVar:

NM_018051.5(DYNC2I1):c.116A>G (p.Lys39Arg)

Gene: DYNC2I1 (dynein 2 intermediate chain 1; plus strand). Cytogenetic location: 7q36.3.
Variant type: single nucleotide variant.
Coding change: c.116A>G on transcript NM_018051.5 (MANE Select); coding-DNA position 116, A replaced by G.
Protein change: p.Lys39Arg; replaces lysine 39 with arginine.
Molecular consequence: missense variant. On other transcripts: 5 prime UTR variant (5).
Genome position (GRCh38, 1-based): chr7:158,871,188, A>G. VCF-style: chr7-158871188-A-G. GRCh37 (hg19) VCF-style: chr7-158663879-A-G.
Other names: c.-23A>G (NM_001350914.2); c.-402A>G (NM_001350915.2); c.-1243A>G (NM_001350916.2); c.-1251A>G (NM_001350917.2); c.-1370A>G (NM_001350918.2); short protein forms K39R.
Identifiers: ClinVar variation 664414 (VCV000664414.7), dbSNP rs528452983, ClinGen allele CA170044876.

ClinVar aggregate classification (germline): Uncertain significance (1 of 4 stars; one submission).

Conditions:
Short-rib thoracic dysplasia 8 with or without polydactyly (SRTD8). Also called: SHORT-RIB THORACIC DYSPLASIA 8 WITH POLYDACTYLY. Identifiers: Orphanet 93271, MedGen C3809691, MONDO:0014214, OMIM 615503.

Allele frequency attached by ClinVar (database versions not stated): gnomAD exomes below 0.00001.
gnomAD v4.1: 2 of 1,613,724 alleles (0.00012%); highest among the groups gnomAD compares: South Asian, 0.0011%; no homozygotes.

Submission:

Labcorp Genetics (formerly Invitae), Labcorp
Classification: Uncertain significance for Short-rib thoracic dysplasia 8 with or without polydactyly. Last evaluated: 2024-10-08. Review status: criteria provided, single submitter. Criteria: Invitae Variant Classification Sherloc (09022015). Collection method: clinical testing. Allele origin: germline.
Comment: This sequence change replaces lysine, which is basic and polar, with arginine, which is basic and polar, at codon 39 of the WDR60 protein (p.Lys39Arg). This variant is present in population databases (rs528452983, gnomAD 0.003%). This variant has not been reported in the literature in individuals affected with WDR60-related conditions. ClinVar contains an entry for this variant (Variation ID: 664414). An algorithm developed to predict the effect of missense changes on protein structure and function outputs the following: PolyPhen-2: "Benign". The arginine amino acid residue is found in multiple mammalian species, which suggests that this missense change does not adversely affect protein function. In summary, the available evidence is currently insufficient to determine the role of this variant in disease. Therefore, it has been classified as a Variant of Uncertain Significance.